The following is an entry in ClinVar:

NM_001040142.2(SCN2A):c.4777G>A (p.Gly1593Arg)

Gene: SCN2A (sodium voltage-gated channel alpha subunit 2; plus strand). Cytogenetic location: 2q24.3.
Variant type: single nucleotide variant.
Coding change: c.4777G>A on transcript NM_001040142.2 (MANE Select); coding-DNA position 4777, G replaced by A.
Protein change: p.Gly1593Arg; replaces glycine 1593 with arginine.
Molecular consequence: missense variant.
Genome position (GRCh38, 1-based): chr2:165,386,971, G>A. VCF-style: chr2-165386971-G-A. GRCh37 (hg19) VCF-style: chr2-166243481-G-A.
Other names: c.4777G>A, p.Gly1593Arg (NM_001040143.2, NM_001371246.1, NM_001371247.1 and 1 more transcripts); short protein forms G1593R.
Identifiers: ClinVar variation 279927 (VCV000279927.4), dbSNP rs886041259, ClinGen allele CA501168.

ClinVar aggregate classification (germline): Pathogenic (1 of 4 stars; one submission).

Conditions:
Complex neurodevelopmental disorder. Identifiers: Orphanet 528084, MedGen C5568766, MONDO:0100038.

Submission:

GeneDx
Classification: Pathogenic. Last evaluated: 2016-08-29. Review status: criteria provided, single submitter. Criteria: GeneDx Variant Classification (06012015). Collection method: clinical testing. Allele origin: germline. Affected: yes.
Comment: The G1593R pathogenic variant has not been published as a pathogenic variant, nor has it been reported as a benign polymorphism to our knowledge. It was not observed in approximately 6,500 individuals of European and African American ancestry in the NHLBI Exome Sequencing Project, indicating it is not a common benign variant in these populations. The G1593R variant is a non-conservative amino acid substitution, which is likely to impact secondary protein structure as these residues differ in polarity, charge, size and/or other properties This substitution occurs at a conserved position in transmembrane segment S3 in the fourth homologous domain of the protein (Shi et al., 2012) and missense variants at nearby codons have been reported in the Human Gene Mutation Database in association with SCN2A-related disorders. In silico analysis predicts this variant is probably damaging to the protein structure/function. Therefore, we interpret the G1593R variant to be pathogenic.